The following is an entry in ClinVar:

ClinVar aggregate classification (germline): Benign (1 of 4 stars; one submission).

Allele frequency attached by ClinVar (database versions not stated): 1000 Genomes Project 30x 0.46518; gnomAD 0.46529 and 0.46883; 1000 Genomes Project 0.46665; TOPMed 0.47085.
gnomAD v4.1: 71,269 of 151,796 alleles (47%); highest among the groups gnomAD compares: Admixed American, 60%; 17,408 homozygotes.

Submission:

GeneDx
Classification: Benign. Last evaluated: 2018-06-14. Review status: criteria provided, single submitter. Criteria: GeneDx Variant Classification (06012015). Collection method: clinical testing. Allele origin: germline. Affected: yes.
Comment: This variant is considered likely benign or benign based on one or more of the following criteria: it is a conservative change, it occurs at a poorly conserved position in the protein, it is predicted to be benign by multiple in silico algorithms, and/or has population frequency not consistent with disease.

NM_006846.4(SPINK5):c.210-260C>T

Gene: SPINK5 (serine peptidase inhibitor Kazal type 5; plus strand). Cytogenetic location: 5q32.
Variant type: single nucleotide variant.
Coding change: c.210-260C>T on transcript NM_006846.4 (MANE Select); 260 bases into the intron before coding-DNA position 210, C replaced by T.
Molecular consequence: intron variant.
Genome position (GRCh38, 1-based): chr5:148,071,888, C>T. VCF-style: chr5-148071888-C-T. GRCh37 (hg19) VCF-style: chr5-147451451-C-T.
Other names: c.210-260C>T (NM_001127698.2, NM_001127699.2).
Identifiers: ClinVar variation 667628 (VCV000667628.1), dbSNP rs7445392, ClinGen allele CA12134203.